The following is an entry in ClinVar:

NM_000455.5(STK11):c.1299G>T (p.Gln433His)

Gene: STK11 (serine/threonine kinase 11; plus strand). Cytogenetic location: 19p13.3.
Variant type: single nucleotide variant.
Coding change: c.1299G>T on transcript NM_000455.5 (MANE Select); coding-DNA position 1299, G replaced by T.
Protein change: p.Gln433His; replaces glutamine 433 with histidine.
Molecular consequence: missense variant. On other transcripts: non-coding transcript variant (1).
Genome position (GRCh38, 1-based): chr19:1,226,644, G>T. VCF-style: chr19-1226644-G-T. GRCh37 (hg19) VCF-style: chr19-1226643-G-T.
Other names: short protein forms Q433H.
Identifiers: ClinVar variation 4802515 (VCV004802515.1).

ClinVar aggregate classification (germline): Uncertain significance (1 of 4 stars; one submission).

Conditions:
Peutz-Jeghers syndrome (PJS). Also called: POLYPOSIS, HAMARTOMATOUS INTESTINAL; POLYPS-AND-SPOTS SYNDROME; Peutz-Jeghers polyposis; Periorificial lentiginosis syndrome. Identifiers: Orphanet 2869, MedGen C0031269, MeSH D010580, MONDO:0008280, OMIM 175200.

Submission:

Labcorp Genetics (formerly Invitae), Labcorp
Classification: Uncertain significance for Peutz-Jeghers syndrome. Last evaluated: 2025-08-31. Review status: criteria provided, single submitter. Criteria: Invitae Variant Classification Sherloc (09022015). Collection method: clinical testing. Allele origin: germline.
Comment: This sequence change replaces glutamine, which is neutral and polar, with histidine, which is basic and polar, at codon 433 of the STK11 protein (p.Gln433His). This variant is not present in population databases (gnomAD no frequency). This variant has not been reported in the literature in individuals affected with STK11-related conditions. Invitae Evidence Modeling of protein sequence and biophysical properties (such as structural, functional, and spatial information, amino acid conservation, physicochemical variation, residue mobility, and thermodynamic stability) has been performed for this missense variant. However, the output from this modeling did not meet the statistical confidence thresholds required to predict the impact of this variant on STK11 protein function. In summary, the available evidence is currently insufficient to determine the role of this variant in disease. Therefore, it has been classified as a Variant of Uncertain Significance.